The following is an entry in ClinVar:

NM_032607.3(CREB3L3):c.724C>T (p.Arg242Ter)

Gene: CREB3L3 (cAMP responsive element binding protein 3 like 3; plus strand). Cytogenetic location: 19p13.3.
Variant type: single nucleotide variant.
Coding change: c.724C>T on transcript NM_032607.3 (MANE Select); coding-DNA position 724, C replaced by T.
Protein change: p.Arg242Ter; replaces arginine 242 with a stop codon.
Molecular consequence: nonsense. On other transcripts: intron variant (1).
Genome position (GRCh38, 1-based): chr19:4,168,360, C>T. VCF-style: chr19-4168360-C-T. GRCh37 (hg19) VCF-style: chr19-4168357-C-T.
Other names: c.721C>T, p.Arg241Ter (NM_001271995.2); c.718C>T, p.Arg240Ter (NM_001271996.2); c.715-1780C>T (NM_001271997.2); short protein forms R240*, R241*, R242*.
Identifiers: ClinVar variation 3608978 (VCV003608978.5).
Genomic context (GRCh38, chr19:4,168,360, plus strand): 5'-CCAAGTGGGGACTTTCTGGCCTGAAACCCTCCTCCCCATTTCACTTGGCAGTACGAGGAG[C>T]GAGTGCTGAAAAAAATCCGCCGGAAAATCCGGAACAAGCAGTCGGCGCAAGAAAGCAGGA-3'

ClinVar aggregate classification (germline): Pathogenic/Likely pathogenic. Review status: criteria provided, multiple submitters, no conflicts (2 of 4 stars). 3 submissions from 3 submitters: Pathogenic (1); Likely pathogenic (2). Last evaluated 2025-07-01.

Conditions:
Hypertriglyceridemia 2. Identifiers: MedGen C5543398, MONDO:0859149, OMIM 619324.

Submissions (3):

Variantyx, Inc.
Classification: Likely pathogenic for Hypertriglyceridemia 2. Last evaluated: 2025-07-01. Review status: criteria provided, single submitter. Criteria: Variantyx Assertion Criteria 2022. Collection method: clinical testing. Allele origin: germline. Inheritance: Autosomal dominant inheritance. Affected: yes.
Comment: This is a nonsense variant in the CREB3L3 gene (OMIM: 611998). Pathogenic variants in this gene have been associated with autosomal dominant hypertriglyceridemia 2. This variant introduces a premature termination codon in exon 6 out of 10 and is expected to result in loss of function, which is a known disease mechanism for CREB3L3 in this disorder (PMID: 21666694, 26427795, 32580631) (PVS1). This variant has a 0.0045% maximum allele frequency in non-founder control populations (PM2). Based on the current evidence, this variant is classified as likely pathogenic for autosomal dominant hypertriglyceridemia 2.

Labcorp Genetics (formerly Invitae), Labcorp
Classification: Pathogenic. Last evaluated: 2024-12-08. Review status: criteria provided, single submitter. Criteria: Invitae Variant Classification Sherloc (09022015). Collection method: clinical testing. Allele origin: germline.
Comment: This sequence change creates a premature translational stop signal (p.Arg242*) in the CREB3L3 gene. It is expected to result in an absent or disrupted protein product. Loss-of-function variants in CREB3L3 are known to be pathogenic (PMID: 21666694, 26427795). This variant is present in population databases (rs201933439, gnomAD 0.005%). This premature translational stop signal has been observed in individual(s) with CREB3L3-related conditions (PMID: 31619059, 32041611, 36325899). This variant is also known as c.C721T (p.R241X). For these reasons, this variant has been classified as Pathogenic.

Juno Genomics, Hangzhou Juno Genomics, Inc
Classification: Likely pathogenic for Hypertriglyceridemia 2. Review status: criteria provided, single submitter. Criteria: ACMG Guidelines, 2015. Collection method: clinical testing. Allele origin: germline.
Comment: Absent from controls (or at extremely low frequency if recessive) in Genome Aggregation Database.;Null variant in a gene where loss of function (LOF) is a known mechanism of disease.;Patient's phenotype or family history is highly specific for a disease with a single genetic etiology.

Literature cited by the submitters: PubMed 21666694 (cited by Variantyx, Inc. and Labcorp Genetics (formerly Invitae), Labcorp); PubMed 26427795 (cited by Variantyx, Inc. and Labcorp Genetics (formerly Invitae), Labcorp); PubMed 32580631 (cited by Variantyx, Inc.); PubMed 31619059 (cited by Labcorp Genetics (formerly Invitae), Labcorp); PubMed 32041611 (cited by Labcorp Genetics (formerly Invitae), Labcorp); PubMed 36325899 (cited by Labcorp Genetics (formerly Invitae), Labcorp).